The following is an entry in ClinVar:

NM_000163.5(GHR):c.98C>G (p.Pro33Arg)

Gene: GHR (growth hormone receptor; plus strand). Cytogenetic location: 5p12.
Variant type: single nucleotide variant.
Coding change: c.98C>G on transcript NM_000163.5 (MANE Select); coding-DNA position 98, C replaced by G.
Protein change: p.Pro33Arg; replaces proline 33 with arginine.
Molecular consequence: missense variant. On other transcripts: intron variant (1).
Genome position (GRCh38, 1-based): chr5:42,629,065, C>G. VCF-style: chr5-42629065-C-G. GRCh37 (hg19) VCF-style: chr5-42629167-C-G.
Other names: c.98C>G, p.Pro33Arg (NM_001242403.3, NM_001242404.2, NM_001242405.2 and 5 more transcripts); c.71-59825C>G (NM_001242460.2); c.119C>G, p.Pro40Arg (NM_001242399.2); short protein forms P33R, P40R.
Identifiers: ClinVar variation 1431063 (VCV001431063.6), dbSNP rs377297987, ClinGen allele CA359694693.
Genomic context (GRCh38, chr5:42,629,065, plus strand): 5'-ATGACTAATGGTTTTCTTCTCTTTCTGTTTCAGCCACAGCAGCTATCCTTAGCAGAGCAC[C>G]CTGGAGTCTGCAAAGTGTTAATCCAGGCCTAAAGACAAGTAAGAATTTCAGTCCTTTTTC-3'
Protein context (NP_000154.1, residues 23-43): EATAAILSRA[Pro33Arg]WSLQSVNPGL

ClinVar aggregate classification (germline): Uncertain significance (1 of 4 stars; one submission).

Submission:

Labcorp Genetics (formerly Invitae), Labcorp
Classification: Uncertain significance. Last evaluated: 2022-06-13. Review status: criteria provided, single submitter. Criteria: Invitae Variant Classification Sherloc (09022015). Collection method: clinical testing. Allele origin: germline.
Comment: In summary, the available evidence is currently insufficient to determine the role of this variant in disease. Therefore, it has been classified as a Variant of Uncertain Significance. Algorithms developed to predict the effect of missense changes on protein structure and function (SIFT, PolyPhen-2, Align-GVGD) all suggest that this variant is likely to be tolerated. This variant has not been reported in the literature in individuals affected with GHR-related conditions. This variant is not present in population databases (gnomAD no frequency). This sequence change replaces proline, which is neutral and non-polar, with arginine, which is basic and polar, at codon 33 of the GHR protein (p.Pro33Arg).